The following is an entry in ClinVar:

ClinVar aggregate classification (germline): Uncertain significance. Review status: criteria provided, multiple submitters, no conflicts (2 of 4 stars). 2 submissions from 2 submitters: Uncertain significance (2). Last evaluated 2026-03-03.

Conditions:
Hereditary cancer-predisposing syndrome. Also called: Tumor predisposition; Hereditary neoplastic syndrome; Hereditary Cancer Syndrome; Neoplastic Syndromes, Hereditary. Identifiers: Orphanet 140162, MedGen C0027672, MeSH D009386, MONDO:0015356.
Tuberous sclerosis 1 (TSC1). Identifiers: Orphanet 805, MedGen C1854465, MONDO:0008612, OMIM 191100.

Submissions (2):

Ambry Genetics
Classification: Uncertain significance for Hereditary cancer-predisposing syndrome. Last evaluated: 2026-03-03. Review status: criteria provided, single submitter. Criteria: Ambry Variant Classification Scheme 2023. Collection method: clinical testing. Allele origin: germline.
Comment: The p.T124S variant (also known as c.370A>T), located in coding exon 4 of the TSC1 gene, results from an A to T substitution at nucleotide position 370. The threonine at codon 124 is replaced by serine, an amino acid with similar properties. This amino acid position is conserved. In addition, the in silico prediction for this alteration is inconclusive. Based on the available evidence, the clinical significance of this variant remains unclear.

Labcorp Genetics (formerly Invitae), Labcorp
Classification: Uncertain significance for Tuberous sclerosis 1. Last evaluated: 2024-10-03. Review status: criteria provided, single submitter. Criteria: Invitae Variant Classification Sherloc (09022015). Collection method: clinical testing. Allele origin: germline.
Comment: This sequence change replaces threonine, which is neutral and polar, with serine, which is neutral and polar, at codon 124 of the TSC1 protein (p.Thr124Ser). This variant is not present in population databases (gnomAD no frequency). This variant has not been reported in the literature in individuals affected with TSC1-related conditions. ClinVar contains an entry for this variant (Variation ID: 956189). Invitae Evidence Modeling of protein sequence and biophysical properties (such as structural, functional, and spatial information, amino acid conservation, physicochemical variation, residue mobility, and thermodynamic stability) indicates that this missense variant is not expected to disrupt TSC1 protein function with a negative predictive value of 95%. In summary, the available evidence is currently insufficient to determine the role of this variant in disease. Therefore, it has been classified as a Variant of Uncertain Significance.

NM_000368.5(TSC1):c.370A>T (p.Thr124Ser)

Gene: TSC1 (TSC complex subunit 1; minus strand). Cytogenetic location: 9q34.13.
Variant type: single nucleotide variant.
Coding change: c.370A>T on transcript NM_000368.5 (MANE Select); coding-DNA position 370, A replaced by T.
Protein change: p.Thr124Ser; replaces threonine 124 with serine.
Molecular consequence: missense variant.
Genome position (GRCh38, 1-based): chr9:132,923,486, T>A on the plus strand (A>T on the coding strand, the complement: TSC1 is on the minus strand). VCF-style: chr9-132923486-T-A. GRCh37 (hg19) VCF-style: chr9-135798873-T-A.
Other names: c.370A>T, p.Thr124Ser (NM_001162426.2); c.217A>T, p.Thr73Ser (NM_001162427.2); c.7A>T, p.Thr3Ser (NM_001362177.2); short protein forms T124S, T73S, T3S.
Identifiers: ClinVar variation 956189 (VCV000956189.4), dbSNP rs745871522, ClinGen allele CA375373741.